The following is an entry in ClinVar:

ClinVar aggregate classification (germline): Likely pathogenic (1 of 4 stars; one submission).

Conditions:
Inborn genetic diseases. Identifiers: MedGen C0950123, MeSH D030342.

Submission:

Ambry Genetics
Classification: Likely pathogenic for Inborn genetic diseases. Last evaluated: 2023-01-24. Review status: criteria provided, single submitter. Criteria: Ambry Variant Classification Scheme 2023. Collection method: clinical testing. Allele origin: germline.
Comment: The c.1349T>C (p.V450A) alteration is located in exon 3 (coding exon 3) of the KCNN3 gene. This alteration results from a T to C substitution at nucleotide position 1349, causing the valine (V) at amino acid position 450 to be replaced by an alanine (A). This variant was not reported in population-based cohorts in the Genome Aggregation Database (gnomAD). This amino acid position is highly conserved in available vertebrate species. This alteration is predicted to be deleterious by in silico analysis. Based on the available evidence, this alteration is classified as likely pathogenic.

NM_002249.6(KCNN3):c.1349T>C (p.Val450Ala)

Gene: KCNN3 (potassium calcium-activated channel subfamily N member 3; minus strand). Cytogenetic location: 1q21.3.
Variant type: single nucleotide variant.
Coding change: c.1349T>C on transcript NM_002249.6 (MANE Select); coding-DNA position 1349, T replaced by C.
Protein change: p.Val450Ala; replaces valine 450 with alanine.
Molecular consequence: missense variant.
Genome position (GRCh38, 1-based): chr1:154,772,074, A>G on the plus strand (T>C on the coding strand, the complement: KCNN3 is on the minus strand). VCF-style: chr1-154772074-A-G. GRCh37 (hg19) VCF-style: chr1-154744550-A-G.
Other names: c.1349T>C, p.Val450Ala (NM_001204087.2); c.410T>C, p.Val137Ala (NM_001365837.1, NM_001365838.1); c.434T>C, p.Val145Ala (NM_170782.3); short protein forms V137A, V450A, V145A.
Identifiers: ClinVar variation 2330091 (VCV002330091.3), dbSNP rs2524731280, ClinGen allele CA343066573.
Genomic context (GRCh38, chr1:154,772,074, plus strand): 5'-AGAGAGATGCTGAACACGAGCAGCACAGTGCCAGGGCAGATGGTCATGAGCGTCTTCATG[A>G]CAAAGCGGGTGTTGAAGTTGATCTTGTTGAGGGCCCCGATGCTGCGGGACGAGGCATCGG-3'
Protein context (NP_002240.3, residues 440-460): LNKINFNTRF[Val450Ala]MKTLMTICPG